The following is an entry in ClinVar:

ClinVar aggregate classification (germline): Pathogenic/Likely pathogenic. Review status: criteria provided, multiple submitters, no conflicts (2 of 4 stars). 2 submissions from 2 submitters: Pathogenic (1); Likely pathogenic (1). Last evaluated 2025-03-10.

Conditions:
Mucopolysaccharidosis, MPS-III-D (MPS3D). Also called: MPS III D; Mucopoly-saccharidosis type 3D; N-acetylglucosamine-6-sulfate sulfatase deficiency; MPS 3D; N-ACETYLGLUCOSAMINE-6-SULFATASE DEFICIENCY; SANFILIPPO SYNDROME D. Identifiers: Orphanet 581, Orphanet 79272, MedGen C0086650, MONDO:0009658, OMIM 252940.

Allele frequency attached by ClinVar (database versions not stated): gnomAD 0.00001; gnomAD exomes 0.00002 and below 0.00001; ExAC 0.00001.

Submissions (2):

Labcorp Genetics (formerly Invitae), Labcorp
Classification: Pathogenic for Mucopolysaccharidosis, MPS-III-D. Last evaluated: 2025-03-10. Review status: criteria provided, single submitter. Criteria: Invitae Variant Classification Sherloc (09022015). Collection method: clinical testing. Allele origin: germline.
Comment: This sequence change creates a premature translational stop signal (p.Ser119Valfs*33) in the GNS gene. It is expected to result in an absent or disrupted protein product. Loss-of-function variants in GNS are known to be pathogenic (PMID: 20232353). This variant is present in population databases (rs749187018, gnomAD 0.004%). This variant has not been reported in the literature in individuals affected with GNS-related conditions. ClinVar contains an entry for this variant (Variation ID: 1069391). For these reasons, this variant has been classified as Pathogenic.

Fulgent Genetics
Classification: Likely pathogenic for Mucopolysaccharidosis, MPS-III-D. Last evaluated: 2024-01-09. Review status: criteria provided, single submitter. Criteria: ACMG Guidelines, 2015. Collection method: clinical testing. Allele origin: germline.

Literature cited by the submitters: PubMed 20232353 (cited by Labcorp Genetics (formerly Invitae), Labcorp).

NM_002076.4(GNS):c.355del (p.Ser119fs)

Gene: GNS (glucosamine (N-acetyl)-6-sulfatase; minus strand). Cytogenetic location: 12q14.3.
Variant type: Deletion.
Coding change: c.355del on transcript NM_002076.4 (MANE Select); coding-DNA position 355, one base deleted (A; older notation c.355delA).
Protein change: p.Ser119fs; shifts the reading frame from serine 119.
Molecular consequence: frameshift variant.
Genome position (GRCh38, 1-based): chr12:64,747,816, T deleted on the plus strand (A on the coding strand, the reverse complement: GNS is on the minus strand). VCF-style (leftmost placement, unchanged base first): chr12-64747815-CT-C. GRCh37 (hg19) VCF-style: chr12-65141595-CT-C.
Other names: short protein forms S119fs.
Identifiers: ClinVar variation 1069391 (VCV001069391.9), dbSNP rs749187018, ClinGen allele CA6669961.